The following is an entry in ClinVar:

ClinVar aggregate classification (germline): Benign/Likely benign. Review status: criteria provided, multiple submitters, no conflicts (2 of 4 stars). 2 submissions from 2 submitters: Benign (1); Likely benign (1). Last evaluated 2026-09-28.

Conditions:
Neurofibromatosis, type 1 (NF1). Also called: VON RECKLINGHAUSEN DISEASE; Peripheral type neurofibromatosis; Neurofibromatosis, type I; NEUROFIBROMATOSIS, TYPE I, SOMATIC. Identifiers: Orphanet 636, MedGen C0027831, MONDO:0018975, OMIM 162200. Disease mechanism: loss of function.

Allele frequency attached by ClinVar (database versions not stated): gnomAD exomes below 0.00001.
gnomAD v4.1: 1 of 1,614,048 alleles (0.000062%); highest among the groups gnomAD compares: Non-Finnish European, 0.000085%; no homozygotes.

Submissions (2):

Myriad Genetics, Inc.
Classification: Benign for Neurofibromatosis, type 1. Last evaluated: 2026-09-28. Review status: criteria provided, single submitter. Criteria: Myriad Autosomal Dominant, Autosomal Recessive and X-Linked Classification Criteria (2023). Collection method: clinical testing. Allele origin: unknown.
Comment: This variant is considered benign. This variant is a silent/synonymous amino acid change and it is not expected to impact splicing.

Labcorp Genetics (formerly Invitae), Labcorp
Classification: Likely benign for Neurofibromatosis, type 1. Last evaluated: 2025-01-27. Review status: criteria provided, single submitter. Criteria: Invitae Variant Classification Sherloc (09022015). Collection method: clinical testing. Allele origin: germline.

NM_001042492.3(NF1):c.3483C>T (p.Leu1161=)

Gene: NF1 (neurofibromin 1; plus strand). Cytogenetic location: 17q11.2.
Variant type: single nucleotide variant.
Coding change: c.3483C>T on transcript NM_001042492.3 (MANE Select); coding-DNA position 3483, C replaced by T.
Protein change: p.Leu1161=; no amino-acid change (leucine 1161 retained).
Molecular consequence: synonymous variant.
Genome position (GRCh38, 1-based): chr17:31,232,868, C>T. VCF-style: chr17-31232868-C-T. GRCh37 (hg19) VCF-style: chr17-29559886-C-T.
Other names: c.3483C>T, p.Leu1161= (NM_000267.4).
Identifiers: ClinVar variation 2033785 (VCV002033785.5), dbSNP rs1597719677, ClinGen allele CA499443973.
Genomic context (GRCh38, chr17:31,232,868, plus strand): 5'-GAGGCACTGTACGGTCCTTGCAATGTCAAACTTACTCAATGCCAACGTAGACAGTGGTCT[C>T]ATGCACTCCATAGGTGAGATCAAATGAAAGTTTCATATAGAAATACAAAACCTAGAGAAC-3'
Protein context (NP_001035957.1, residues 1151-1171): NLLNANVDSG[Leu1161=]MHSIGLGYHK